The following is an entry in ClinVar:

ClinVar aggregate classification (germline): Likely benign (1 of 4 stars; one submission).

Conditions:
HTR2C-related disorder. Also called: HTR2C-related condition.

gnomAD v4.1: 13 of 1,209,891 alleles (0.0011%); highest among the groups gnomAD compares: Admixed American, 0.028%; no homozygotes.

Submission:

PreventionGenetics, part of Exact Sciences
Classification: Likely benign for HTR2C-related condition. Last evaluated: 2025-04-23. Review status: criteria provided, single submitter. Criteria: ACMG Guidelines, 2015. Collection method: clinical testing. Allele origin: germline.
Comment: This variant is classified as likely benign based on ACMG/AMP sequence variant interpretation guidelines (Richards et al. 2015 PMID: 25741868, with internal and published modifications).

NM_000868.4(HTR2C):c.645T>G (p.Val215=)

Genes: HTR2C (5-hydroxytryptamine receptor 2C; plus strand), LOC126863306 (MED14-independent group 3 enhancer GRCh37_chrX:114140926-114142125; plus strand). Cytogenetic location: Xq23.
Variant type: single nucleotide variant.
Coding change: c.645T>G on transcript NM_000868.4 (MANE Select); coding-DNA position 645, T replaced by G.
Protein change: p.Val215=; no amino-acid change (valine 215 retained).
Molecular consequence: synonymous variant. On other transcripts: missense variant (1).
Genome position (GRCh38, 1-based): chrX:114,906,683, T>G. VCF-style: chrX-114906683-T-G. GRCh37 (hg19) VCF-style: chrX-114141246-T-G.
Other names: c.645T>G, p.Val215= (NM_001256760.3); c.550T>G, p.Ser184Ala (NM_001256761.3); short protein forms S184A.
Identifiers: ClinVar variation 3357242 (VCV003357242.2).